The following is an entry in ClinVar:

NM_002878.4(RAD51D):c.898del (p.Arg300fs)

Genes: RAD51D (RAD51 paralog D; minus strand), RAD51L3-RFFL (RAD51L3-RFFL readthrough; minus strand). Cytogenetic location: 17q12.
Variant type: Deletion.
Coding change: c.898del on transcript NM_002878.4 (MANE Select); coding-DNA position 898, one base deleted (C; older notation c.898delC).
Protein change: p.Arg300fs; shifts the reading frame from arginine 300.
Molecular consequence: frameshift variant. On other transcripts: non-coding transcript variant (3).
Genome position (GRCh38, 1-based): chr17:35,101,206, G deleted on the plus strand (C on the coding strand, the reverse complement: RAD51D is on the minus strand); the first of 3 consecutive G bases (chr17:35,101,206-35,101,208); deleting any one gives the same sequence. VCF-style (leftmost placement, unchanged base first): chr17-35101205-CG-C. GRCh37 (hg19) VCF-style: chr17-33428224-CG-C.
Other names: c.898delC (NM_002878.3); c.958del, p.Arg320fs (NM_001142571.2); c.562del, p.Arg188fs (NM_133629.3); short protein forms R320fs, R188fs.
Identifiers: ClinVar variation 185528 (VCV000185528.21), dbSNP rs786202251, ClinGen allele CA192195.
Genomic context (GRCh38, chr17:35,101,205, plus strand): 5'-ATGGAAACCACCCTCCAGGGCCCAAGATTACTGGCATCTTCCTGGGGCTGGCTCACCTGT[CG>C]GGAAGATTTGGCCAGACACGCCATGCGCCGGCCGCCTGATGCTCCTGCTCCCTCGATGGT-3'

ClinVar aggregate classification (germline): Pathogenic/Likely pathogenic. Review status: criteria provided, multiple submitters, no conflicts (2 of 4 stars). 8 submissions from 8 submitters: Pathogenic (1); Likely pathogenic (7). Last evaluated 2025-06-29.

Conditions:
RAD51D-related disorder. Also called: RAD51D-related condition.
Hereditary cancer-predisposing syndrome. Also called: Tumor predisposition; Neoplastic Syndromes, Hereditary; Hereditary neoplastic syndrome; Hereditary Cancer Syndrome. Identifiers: Orphanet 140162, MedGen C0027672, MeSH D009386, MONDO:0015356.
Hereditary breast ovarian cancer syndrome. Also called: Hereditary breast and ovarian cancer syndrome; Hereditary breast and ovarian cancer syndrome (HBOC); Hereditary breast and ovarian cancer; Breast and ovarian cancer; BRCA1- and BRCA2-Associated Hereditary Breast and Ovarian Cancer; Hereditary breast and/or ovarian cancer syndrome. Identifiers: Orphanet 145, MedGen C0677776, MeSH D061325, MONDO:0003582. Disease mechanism: loss of function.
Breast-ovarian cancer, familial, susceptibility to, 4. Identifiers: Orphanet 145, MedGen C3280345, MONDO:0013669, OMIM 614291.

Submissions (8):

Labcorp Genetics (formerly Invitae), Labcorp
Classification: Likely pathogenic for Breast-ovarian cancer, familial, susceptibility to, 4. Last evaluated: 2025-06-29. Review status: criteria provided, single submitter. Criteria: Invitae Variant Classification Sherloc (09022015). Collection method: clinical testing. Allele origin: germline.
Comment: This sequence change creates a premature translational stop signal (p.Arg300Aspfs*10) in the RAD51D gene. While this is not anticipated to result in nonsense mediated decay, it is expected to disrupt the last 29 amino acid(s) of the RAD51D protein. This variant is not present in population databases (gnomAD no frequency). This premature translational stop signal has been observed in individual(s) with ovarian cancer (PMID: 28888541). ClinVar contains an entry for this variant (Variation ID: 185528). This variant disrupts the ATPase domain and RAD51C interaction domain of the RAD51D protein, which are necessary for the DNA repair activity (PMID: 14704354, 19327148, 21111057, 10749867). While functional studies have not been performed to directly test the effect of this variant on RAD51D protein function, this suggests that disruption of this region of the protein is causative of disease. In summary, the currently available evidence indicates that the variant is pathogenic, but additional data are needed to prove that conclusively. Therefore, this variant has been classified as Likely Pathogenic.

Ambry Genetics
Classification: Likely pathogenic for Hereditary cancer-predisposing syndrome. Last evaluated: 2025-02-11. Review status: criteria provided, single submitter. Criteria: Ambry Variant Classification Scheme 2023. Collection method: clinical testing. Allele origin: germline.
Comment: The c.898delC variant, located in coding exon 9 of the RAD51D gene, results from a deletion of one nucleotide at nucleotide position 898, causing a translational frameshift with a predicted alternate stop codon (p.R300Dfs*10). This alteration occurs at the 3' terminus of theRAD51D gene, is not expected to trigger nonsense-mediated mRNA decay, and impacts the last 20 amino acids of the protein. However, premature stop codons are typically deleterious in nature and structural analysis suggests that this truncated region is important for protein function (Amunugama R et al. J. Biol. Chem. 2012 Mar;287(12):8724-36). This variant has been reported in individuals diagnosed with ovarian cancer (Lilyquist J et al. Gynecol Oncol, 2017 11;147:375-380; Suszynska M et al. J Ovarian Res, 2020 May;13:50). Based on the majority of available evidence to date, this variant is likely to be pathogenic.

Blueprint Genetics
Classification: Likely pathogenic for RAD51D-related disorders. Last evaluated: 2024-08-19. Review status: criteria provided, single submitter. Criteria: ACMG Guidelines, 2015. Collection method: clinical testing. Allele origin: germline. Affected: yes. Observed: 3 variant alleles.

Quest Diagnostics Nichols Institute San Juan Capistrano
Classification: Likely pathogenic. Last evaluated: 2024-07-17. Review status: criteria provided, single submitter. Criteria: Quest Diagnostics criteria. Collection method: clinical testing. Allele origin: unknown.
Comment: The RAD51D c.898del (p.Arg300Aspfs*10) variant alters the translational reading frame of the RAD51D mRNA and is predicted to cause the premature termination of RAD51D protein synthesis. While not expected to result in nonsense-mediated decay, the disrupted region is considered important to protein function (PMIDs: 10749867 (2000), 14704354 (2004), 21111057 (2011)). This variant has been reported in the published literature in individuals with breast cancer (PMID: 35884425 (2022)) and ovarian cancer (PMID: 28888541 (2017)). This variant has not been reported in large, multi-ethnic general populations (Genome Aggregation Database). Based on the available information, this variant is classified as likely pathogenic.

German Consortium for Hereditary Breast and Ovarian Cancer, University Hospital Cologne
Classification: Likely pathogenic for Hereditary breast ovarian cancer syndrome. Last evaluated: 2024-02-15. Review status: criteria provided, single submitter. Criteria: ACMG Guidelines, 2015. Collection method: curation. Allele origin: germline.
Comment: According to the ACMG SVI adaptation criteria we chose these criteria: PVS1 (strong pathogenic): No NMD expected but last 29 amino acids (ATPase domain) affected , PS4 (supporting pathogenic): In ClinVar and HGMD reported with same phenotype, PM2 (supporting pathogenic): not in gnomAD

Baylor Genetics
Classification: Pathogenic for Breast-ovarian cancer, familial, susceptibility to, 4. Last evaluated: 2024-01-04. Review status: criteria provided, single submitter. Criteria: ACMG Guidelines, 2015. Collection method: clinical testing. Allele origin: unknown.

Myriad Genetics, Inc.
Classification: Likely pathogenic for Breast-ovarian cancer, familial, susceptibility to, 4. Last evaluated: 2023-12-19. Review status: criteria provided, single submitter. Criteria: Myriad Autosomal Dominant, Autosomal Recessive and X-Linked Classification Criteria (2023). Collection method: clinical testing. Allele origin: unknown.
Comment: This variant is considered likely pathogenic. This variant creates a frameshift predicted to result in premature protein truncation.

Color Diagnostics, LLC DBA Color Health
Classification: Likely pathogenic for Hereditary cancer-predisposing syndrome. Last evaluated: 2020-03-30. Review status: criteria provided, single submitter. Criteria: ACMG Guidelines, 2015. Collection method: clinical testing. Allele origin: germline.
Comment: This variant deletes 1 nucleotide in exon 9 of the RAD51D gene, creating a frameshift and premature translation stop signal in the last exon. The mutant transcript is expected to escape nonsense-mediated decay and be expressed as a truncated protein. This variant is expected to disrupt the amino acid residues Arg300 through Thr328 of the RAD51D protein that encode the C-terminus of the ATPase domain (PMID: 14704354, 19327148, 21111057) and RAD51C interaction domain (PMID: 10749867, 14704354, 19327148). Although functional studies have not been reported for this variant, this variant is likely to disrupt RAD51D function. To our knowledge, this variant has not been reported in individuals affected with hereditary cancer in the literature. This variant has not been identified in the general population by the Genome Aggregation Database (gnomAD). Loss of RAD51D function is a known mechanism of disease. Based on the available evidence, this variant is classified as Likely Pathogenic.

Literature cited by the submitters: PubMed 28888541 (cited by 3 submitters); PubMed 14704354 (cited by Labcorp Genetics (formerly Invitae), Labcorp); PubMed 19327148 (cited by Labcorp Genetics (formerly Invitae), Labcorp); PubMed 21111057 (cited by Labcorp Genetics (formerly Invitae), Labcorp); PubMed 10749867 (cited by Labcorp Genetics (formerly Invitae), Labcorp); PubMed 32359370 (cited by Ambry Genetics and Quest Diagnostics Nichols Institute San Juan Capistrano); PubMed 35884425 (cited by Quest Diagnostics Nichols Institute San Juan Capistrano); PubMed 28152038 (cited by Quest Diagnostics Nichols Institute San Juan Capistrano).